The following is an entry in ClinVar:

ClinVar aggregate classification (germline): Conflicting classifications of pathogenicity. Review status: criteria provided, conflicting classifications (1 of 4 stars). 2 submissions from 1 submitter: Likely pathogenic (1); Likely benign (1). Last evaluated 2026-04-02.

Conditions:
Distichiasis-lymphedema syndrome. Also called: LYMPHEDEMA WITH DISTICHIASIS. Identifiers: Orphanet 33001, MedGen C0265345, MONDO:0007922, OMIM 153400.
Congenital ptosis. Identifiers: Orphanet 91411, MedGen C0266573, MONDO:0008340, HP:0007970.

Submissions (2):

Centre for Medical Genetics,  Mumbai
Classification: Likely pathogenic for Congenital ptosis. Last evaluated: 2026-04-02. Review status: criteria provided, single submitter. Criteria: ACMG Guidelines, 2015. Collection method: provider interpretation. Allele origin: germline. Inheritance: Autosomal dominant inheritance. Affected: yes. Observed: 1 variant allele, 1 heterozygote.
Comment: The variant satisfies PM2 criteria; Extremely low frequency in gnomAD population databases. Allele frequency is extremely low in all databases.

Centre for Medical Genetics,  Mumbai
Classification: Likely benign for Distichiasis-lymphedema syndrome. Last evaluated: 2023-09-21. Review status: criteria provided, single submitter. Criteria: ACMG Guidelines, 2015. Collection method: provider interpretation. Allele origin: germline. Inheritance: Autosomal dominant inheritance. Affected: no. Observed: 1 variant allele, 1 heterozygote.
Comment: The variant satisfies PM2 criteria; Extremely low frequency in gnomAD population databases. However, the variant satisfies BS2 criteria.

Literature cited by the submitters: PubMed 11078474.

NM_005251.3(FOXC2):c.1088G>A (p.Ser363Asn)

Gene: FOXC2 (forkhead box C2; plus strand). Cytogenetic location: 16q24.1.
Variant type: single nucleotide variant.
Coding change: c.1088G>A on transcript NM_005251.3 (MANE Select); coding-DNA position 1088, G replaced by A.
Protein change: p.Ser363Asn; replaces serine 363 with asparagine.
Molecular consequence: missense variant.
Genome position (GRCh38, 1-based): chr16:86,568,423, G>A. VCF-style: chr16-86568423-G-A. GRCh37 (hg19) VCF-style: chr16-86602029-G-A.
Other names: short protein forms S363N.
Identifiers: ClinVar variation 4819092 (VCV004819092.2).